The following is an entry in ClinVar:

NM_001039591.3(USP9X):c.3410C>T (p.Pro1137Leu)

Gene: USP9X (ubiquitin specific peptidase 9 X-linked; plus strand). Cytogenetic location: Xp11.4.
Variant type: single nucleotide variant.
Coding change: c.3410C>T on transcript NM_001039591.3 (MANE Select); coding-DNA position 3410, C replaced by T.
Protein change: p.Pro1137Leu; replaces proline 1137 with leucine.
Molecular consequence: missense variant.
Genome position (GRCh38, 1-based): chrX:41,184,527, C>T. VCF-style: chrX-41184527-C-T. GRCh37 (hg19) VCF-style: chrX-41043780-C-T.
Other names: c.3410C>T, p.Pro1137Leu (NM_001039590.3); short protein forms P1137L.
Identifiers: ClinVar variation 988733 (VCV000988733.28), dbSNP rs372517093, ClinGen allele CA10388704.
Genomic context (GRCh38, chrX:41,184,527, plus strand): 5'-TCTTGAAAAGTGGTGGCCTACCCCTTGTACTGAGTATGCTAACCAGAAATAACTTCCTAC[C>T]GAATGCAGATATGGAAACTCGAAGGGGTGCCTACCTCAATGCTCTTAAAATAGCCAAGCT-3'
Protein context (NP_001034680.2, residues 1127-1147): LSMLTRNNFL[Pro1137Leu]NADMETRRGA

ClinVar aggregate classification (germline): Uncertain significance. Review status: criteria provided, multiple submitters, no conflicts (2 of 4 stars). 4 submissions from 4 submitters: Uncertain significance (3). 1 of the submissions does not count toward it. Last evaluated 2023-12-28.

Conditions:
Intellectual developmental disorder, X-linked 101. Also called: Intellectual disability, X-linked 101. Identifiers: Orphanet 777, MedGen C3890168, MONDO:0010489, OMIM 300928.
Intellectual developmental disorder, X-linked 99. Also called: Intellectual disability, X-linked 99. Identifiers: Orphanet 777, MedGen C3806746, MONDO:0010487, OMIM 300919.

Allele frequency attached by ClinVar (database versions not stated): gnomAD exomes below 0.00001; ExAC 0.00001; gnomAD 0.00002; TOPMed 0.00001; ESP Exome Variant Server 0.00010.
gnomAD v4.1: 6 of 1,208,597 alleles (0.0005%); highest among the groups gnomAD compares: Middle Eastern, 0.023%; no homozygotes.

Submissions (4):

GeneDx
Classification: Uncertain significance. Last evaluated: 2023-12-28. Review status: criteria provided, single submitter. Criteria: GeneDx Variant Classification Process June 2021. Collection method: clinical testing. Allele origin: germline. Affected: yes.
Comment: In silico analysis supports that this missense variant has a deleterious effect on protein structure/function; Not observed at significant frequency in large population cohorts (gnomAD); This variant is associated with the following publications: (PMID: 32277047, 36680497)

CeGaT Center for Human Genetics Tuebingen
Classification: Uncertain significance. Last evaluated: 2023-10-01. Review status: criteria provided, single submitter. Criteria: CeGaT Center For Human Genetics Tuebingen Variant Classification Criteria Version 2. Collection method: clinical testing. Allele origin: germline. Affected: yes. Observed: 1 variant allele.

Revvity Omics, Revvity
Classification: Uncertain significance. Last evaluated: 2022-08-16. Review status: criteria provided, single submitter. Criteria: ACMG Guidelines, 2015. Collection method: clinical testing. Allele origin: germline.

Service de Génétique Moléculaire, Hôpital Robert Debré
Classification: Uncertain significance for Intellectual developmental disorder, X-linked 99; Intellectual developmental disorder, X-linked 101. Last evaluated: 2020-07-16. Review status: no assertion criteria provided. Collection method: clinical testing. Allele origin: inherited. Affected: yes. Not counted in ClinVar's aggregate classification.